The following is an entry in ClinVar:

NM_182914.3(SYNE2):c.10597C>G (p.Gln3533Glu)

Gene: SYNE2 (spectrin repeat containing nuclear envelope protein 2; plus strand). Cytogenetic location: 14q23.2.
Variant type: single nucleotide variant.
Coding change: c.10597C>G on transcript NM_182914.3 (MANE Select); coding-DNA position 10597, C replaced by G.
Protein change: p.Gln3533Glu; replaces glutamine 3533 with glutamic acid.
Molecular consequence: missense variant.
Genome position (GRCh38, 1-based): chr14:64,070,810, C>G. VCF-style: chr14-64070810-C-G. GRCh37 (hg19) VCF-style: chr14-64537528-C-G.
Other names: c.10597C>G, p.Gln3533Glu (NM_015180.6); short protein forms Q3533E.
Identifiers: ClinVar variation 470913 (VCV000470913.13), dbSNP rs200040718, ClinGen allele CA7221557.

ClinVar aggregate classification (germline): Uncertain significance. Review status: criteria provided, multiple submitters, no conflicts (2 of 4 stars). 2 submissions from 2 submitters: Uncertain significance (2). Last evaluated 2025-08-19.

Conditions:
Emery-Dreifuss muscular dystrophy 5, autosomal dominant (EDMD5). Also called: EMERY-DREIFUSS MUSCULAR DYSTROPHY 5. Identifiers: Orphanet 261, MedGen C2751805, MONDO:0013072, OMIM 612999.

Allele frequency attached by ClinVar (database versions not stated): gnomAD 0.00001; gnomAD exomes 0.00002; ExAC 0.00003; 1000 Genomes Project 0.00020; 1000 Genomes Project 30x 0.00031.
gnomAD v4.1: 7 of 1,614,176 alleles (0.00043%); highest among the groups gnomAD compares: Admixed American, 0.012%; no homozygotes.

Submissions (2):

Ambry Genetics
Classification: Uncertain significance. Last evaluated: 2025-08-19. Review status: criteria provided, single submitter. Criteria: Ambry Variant Classification Scheme 2023. Collection method: clinical testing. Allele origin: germline.

Labcorp Genetics (formerly Invitae), Labcorp
Classification: Uncertain significance for Emery-Dreifuss muscular dystrophy 5, autosomal dominant. Last evaluated: 2024-07-31. Review status: criteria provided, single submitter. Criteria: Invitae Variant Classification Sherloc (09022015). Collection method: clinical testing. Allele origin: germline.
Comment: This sequence change replaces glutamine, which is neutral and polar, with glutamic acid, which is acidic and polar, at codon 3533 of the SYNE2 protein (p.Gln3533Glu). This variant is present in population databases (rs200040718, gnomAD 0.02%). This variant has not been reported in the literature in individuals affected with SYNE2-related conditions. ClinVar contains an entry for this variant (Variation ID: 470913). An algorithm developed to predict the effect of missense changes on protein structure and function outputs the following: PolyPhen-2: "Benign". The glutamic acid amino acid residue is found in multiple mammalian species, which suggests that this missense change does not adversely affect protein function. In summary, the available evidence is currently insufficient to determine the role of this variant in disease. Therefore, it has been classified as a Variant of Uncertain Significance.